The following is an entry in ClinVar:

NM_004104.5(FASN):c.5302G>A (p.Glu1768Lys)

Gene: FASN (fatty acid synthase; minus strand). Cytogenetic location: 17q25.3.
Variant type: single nucleotide variant.
Coding change: c.5302G>A on transcript NM_004104.5 (MANE Select); coding-DNA position 5302, G replaced by A.
Protein change: p.Glu1768Lys; replaces glutamic acid 1768 with lysine.
Molecular consequence: missense variant.
Genome position (GRCh38, 1-based): chr17:82,083,556, C>T on the plus strand (G>A on the coding strand, the complement: FASN is on the minus strand). VCF-style: chr17-82083556-C-T. GRCh37 (hg19) VCF-style: chr17-80041432-C-T.
Other names: short protein forms E1768K.
Identifiers: ClinVar variation 3664858 (VCV003664858.2).

ClinVar aggregate classification (germline): Uncertain significance (1 of 4 stars; one submission).

Conditions:
Epileptic encephalopathy. Identifiers: MedGen C0543888, HP:0200134.

Submission:

Labcorp Genetics (formerly Invitae), Labcorp
Classification: Uncertain significance for Epileptic encephalopathy. Last evaluated: 2024-09-06. Review status: criteria provided, single submitter. Criteria: Invitae Variant Classification Sherloc (09022015). Collection method: clinical testing. Allele origin: germline.
Comment: This sequence change replaces glutamic acid, which is acidic and polar, with lysine, which is basic and polar, at codon 1768 of the FASN protein (p.Glu1768Lys). This variant is not present in population databases (gnomAD no frequency). This variant has not been reported in the literature in individuals affected with FASN-related conditions. An algorithm developed to predict the effect of missense changes on protein structure and function (PolyPhen-2) suggests that this variant is likely to be disruptive. In summary, the available evidence is currently insufficient to determine the role of this variant in disease. Therefore, it has been classified as a Variant of Uncertain Significance.